The following is an entry in ClinVar:

NM_002382.5(MAX):c.413C>T (p.Ser138Leu)

Gene: MAX (MYC associated transcriptional regulator X; minus strand). Cytogenetic location: 14q23.3.
Variant type: single nucleotide variant.
Coding change: c.413C>T on transcript NM_002382.5 (MANE Select); coding-DNA position 413, C replaced by T.
Protein change: p.Ser138Leu; replaces serine 138 with leucine.
Molecular consequence: missense variant. On other transcripts: 3 prime UTR variant (1), intron variant (2).
Genome position (GRCh38, 1-based): chr14:65,076,546, G>A on the plus strand (C>T on the coding strand, the complement: MAX is on the minus strand). VCF-style: chr14-65076546-G-A. GRCh37 (hg19) VCF-style: chr14-65543264-G-A.
Other names: c.224C>T, p.Ser75Leu (NM_001320415.2, NM_001407105.1, NM_001407106.1 and 1 more transcripts); c.413C>T, p.Ser138Leu (NM_001407094.1); c.386C>T, p.Ser129Leu (NM_001407095.1, NM_145112.3); c.*186C>T (NM_001407096.1, NM_001407099.1, NM_001407102.1 and 2 more transcripts); c.*202C>T (NM_001407097.1, NM_001407100.1, NM_001407101.1 and 4 more transcripts); c.305C>T, p.Ser102Leu (NM_001407098.1); c.212C>T, p.Ser71Leu (NM_001407111.1, NM_001407112.1); c.144+17162C>T (NM_001271069.2); and 1 more; short protein forms S129L, S138L, S75L, S71L, S102L.
Identifiers: ClinVar variation 1059756 (VCV001059756.12), dbSNP rs1176118785, ClinGen allele CA390031453.

ClinVar aggregate classification (germline): Conflicting classifications of pathogenicity. Review status: criteria provided, conflicting classifications (1 of 4 stars). 3 submissions from 3 submitters: Uncertain significance (2); Likely benign (1). Last evaluated 2025-11-17.

Conditions:
Hereditary pheochromocytoma and paraganglioma. Also called: Hereditary paragangliomas and pheochromocytomas; Hereditary pheochromocytoma-paraganglioma; Hereditary Paraganglioma-Pheochromocytoma Syndromes. Identifiers: Orphanet 29072, MedGen C4274332, MONDO:0017366.
Pheochromocytoma. Also called: MAX-Related Hereditary Paraganglioma-Pheochromocytoma Syndrome. Identifiers: Orphanet 29072, MedGen C0031511, MONDO:0008233, OMIM 171300, HP:0002666.
Hereditary cancer-predisposing syndrome. Also called: Tumor predisposition; Neoplastic Syndromes, Hereditary; Hereditary Cancer Syndrome; Hereditary neoplastic syndrome. Identifiers: Orphanet 140162, MedGen C0027672, MeSH D009386, MONDO:0015356.

Allele frequency attached by ClinVar (database versions not stated): gnomAD exomes below 0.00001; TOPMed below 0.00001.
gnomAD v4.1: 6 of 1,614,072 alleles (0.00037%); highest among the groups gnomAD compares: South Asian, 0.0011%; no homozygotes.

Submissions (3):

Labcorp Genetics (formerly Invitae), Labcorp
Classification: Uncertain significance for Hereditary pheochromocytoma and paraganglioma. Last evaluated: 2025-11-17. Review status: criteria provided, single submitter. Criteria: Invitae Variant Classification Sherloc (09022015). Collection method: clinical testing. Allele origin: germline.
Comment: This sequence change replaces serine, which is neutral and polar, with leucine, which is neutral and non-polar, at codon 138 of the MAX protein (p.Ser138Leu). This variant is present in population databases (no rsID available, gnomAD 0.003%). This variant has not been reported in the literature in individuals affected with MAX-related conditions. ClinVar contains an entry for this variant (Variation ID: 1059756). An algorithm developed to predict the effect of missense changes on protein structure and function (PolyPhen-2) suggests that this variant is likely to be disruptive. In summary, the available evidence is currently insufficient to determine the role of this variant in disease. Therefore, it has been classified as a Variant of Uncertain Significance.

Ambry Genetics
Classification: Likely benign for Hereditary cancer-predisposing syndrome. Last evaluated: 2025-03-14. Review status: criteria provided, single submitter. Criteria: Ambry Variant Classification Scheme 2023. Collection method: clinical testing. Allele origin: germline.

Baylor Genetics
Classification: Uncertain significance for Pheochromocytoma. Last evaluated: 2023-06-24. Review status: criteria provided, single submitter. Criteria: ACMG Guidelines, 2015. Collection method: clinical testing. Allele origin: unknown.